The following is an entry in ClinVar:

NM_182931.3(KMT2E):c.3757A>G (p.Thr1253Ala)

Gene: KMT2E (lysine methyltransferase 2E (inactive); plus strand). Cytogenetic location: 7q22.3.
Variant type: single nucleotide variant.
Coding change: c.3757A>G on transcript NM_182931.3 (MANE Select); coding-DNA position 3757, A replaced by G.
Protein change: p.Thr1253Ala; replaces threonine 1253 with alanine.
Molecular consequence: missense variant.
Genome position (GRCh38, 1-based): chr7:105,110,281, A>G. VCF-style: chr7-105110281-A-G. GRCh37 (hg19) VCF-style: chr7-104750728-A-G.
Other names: c.3757A>G, p.Thr1253Ala (NM_018682.4); short protein forms T1253A.
Identifiers: ClinVar variation 1029708 (VCV001029708.1), dbSNP rs1799157164, ClinGen allele CA368790577.
Genomic context (GRCh38, chr7:105,110,281, plus strand): 5'-AACAATGTAACTAGCAGTAGTTTCTTTCAATAGAGGATAATGTGATTTTTCTTTGAAAGG[A>G]CTGCCTCAACTTCAGTGGAACAAGTCAGAGAAAGGAGTTATCAGAGAGCTTTACTTCTCA-3'
Protein context (NP_891847.1, residues 1243-1263): SEKNEPEVQW[Thr1253Ala]ASTSVEQVRE

ClinVar aggregate classification (germline): Uncertain significance (1 of 4 stars; one submission).

Conditions:
O'Donnell-Luria-Rodan syndrome (ODLURO). Also called: KMT2E-Related Neurodevelopmental Disorder. Identifiers: MedGen C5193138, MONDO:0032793, OMIM 618512.

Submission:

Baylor Genetics
Classification: Uncertain significance for O'Donnell-Luria-Rodan syndrome. Last evaluated: 2020-01-23. Review status: criteria provided, single submitter. Criteria: ACMG Guidelines, 2015. Collection method: clinical testing. Allele origin: unknown. Affected: yes.
Comment: This variant was determined to be of uncertain significance according to ACMG Guidelines, 2015 [PMID:25741868].